The following is an entry in ClinVar:

NM_001854.4(COL11A1):c.4032+1G>A

Gene: COL11A1 (collagen type XI alpha 1 chain; minus strand). Cytogenetic location: 1p21.1.
Variant type: single nucleotide variant.
Coding change: c.4032+1G>A on transcript NM_001854.4 (MANE Select); the canonical splice donor site of the intron after coding-DNA position 4032, G replaced by A.
Molecular consequence: splice donor variant.
Genome position (GRCh38, 1-based): chr1:102,913,636, C>T on the plus strand (G>A on the coding strand, the complement: COL11A1 is on the minus strand). VCF-style: chr1-102913636-C-T. GRCh37 (hg19) VCF-style: chr1-103379192-C-T.
Other names: c.3915+1G>A (NM_001190709.2); c.4068+1G>A (NM_080629.3); c.3684+1G>A (NM_080630.4).
Identifiers: ClinVar variation 502122 (VCV000502122.9), dbSNP rs1553200868, ClinGen allele CA341160263.

ClinVar aggregate classification (germline): Pathogenic. Review status: criteria provided, multiple submitters, no conflicts (2 of 4 stars). 2 submissions from 2 submitters: Pathogenic (2). Last evaluated 2025-04-24.

Allele frequency attached by ClinVar (database versions not stated): TOPMed below 0.00001.

Submissions (2):

Labcorp Genetics (formerly Invitae), Labcorp
Classification: Pathogenic. Last evaluated: 2025-04-24. Review status: criteria provided, single submitter. Criteria: Invitae Variant Classification Sherloc (09022015). Collection method: clinical testing. Allele origin: germline.
Comment: This sequence change affects a donor splice site in intron 53 of the COL11A1 gene. It is expected to disrupt RNA splicing. Variants that disrupt the donor or acceptor splice site typically lead to a loss of protein function (PMID: 16199547), and loss-of-function variants in COL11A1 are known to be pathogenic (PMID: 20513134, 21035103, 23922384, 25240749, 32427345, 32756486). This variant is not present in population databases (gnomAD no frequency). Disruption of this splice site has been observed in individual(s) with Stickler Syndrome (internal data). ClinVar contains an entry for this variant (Variation ID: 502122). Algorithms developed to predict the effect of sequence changes on RNA splicing suggest that this variant may disrupt the consensus splice site. For these reasons, this variant has been classified as Pathogenic.

Eurofins Ntd Llc (ga)
Classification: Pathogenic. Last evaluated: 2018-03-23. Review status: criteria provided, single submitter. Criteria: EGL ClinVar v180209 classification definitions. Collection method: clinical testing. Allele origin: germline. Observed: 3 variant alleles, 2 heterozygotes, 1 homozygote.

Literature cited by the submitters: PubMed 16199547 (cited by Labcorp Genetics (formerly Invitae), Labcorp); PubMed 20513134 (cited by Labcorp Genetics (formerly Invitae), Labcorp); PubMed 21035103 (cited by Labcorp Genetics (formerly Invitae), Labcorp); PubMed 23922384 (cited by Labcorp Genetics (formerly Invitae), Labcorp); PubMed 25240749 (cited by Labcorp Genetics (formerly Invitae), Labcorp); PubMed 32427345 (cited by Labcorp Genetics (formerly Invitae), Labcorp); PubMed 32756486 (cited by Labcorp Genetics (formerly Invitae), Labcorp).